The following is an entry in ClinVar:

ClinVar aggregate classification (germline): Uncertain significance (1 of 4 stars; one submission).

Allele frequency attached by ClinVar (database versions not stated): gnomAD exomes below 0.00001; gnomAD 0.00001; TOPMed 0.00001.
gnomAD v4.1: 3 of 1,614,094 alleles (0.00019%); highest among the groups gnomAD compares: Non-Finnish European, 0.00025%; no homozygotes.

Submission:

Labcorp Genetics (formerly Invitae), Labcorp
Classification: Uncertain significance. Last evaluated: 2024-02-19. Review status: criteria provided, single submitter. Criteria: Invitae Variant Classification Sherloc (09022015). Collection method: clinical testing. Allele origin: germline.
Comment: This sequence change replaces phenylalanine, which is neutral and non-polar, with tyrosine, which is neutral and polar, at codon 865 of the POLR1A protein (p.Phe865Tyr). This variant is not present in population databases (gnomAD no frequency). This variant has not been reported in the literature in individuals affected with POLR1A-related conditions. Advanced modeling of protein sequence and biophysical properties (such as structural, functional, and spatial information, amino acid conservation, physicochemical variation, residue mobility, and thermodynamic stability) performed at Invitae indicates that this missense variant is not expected to disrupt POLR1A protein function with a negative predictive value of 80%. In summary, the available evidence is currently insufficient to determine the role of this variant in disease. Therefore, it has been classified as a Variant of Uncertain Significance.

NM_015425.6(POLR1A):c.2594T>A (p.Phe865Tyr)

Gene: POLR1A (RNA polymerase I subunit A; minus strand). Cytogenetic location: 2p11.2.
Variant type: single nucleotide variant.
Coding change: c.2594T>A on transcript NM_015425.6 (MANE Select); coding-DNA position 2594, T replaced by A.
Protein change: p.Phe865Tyr; replaces phenylalanine 865 with tyrosine.
Molecular consequence: missense variant.
Genome position (GRCh38, 1-based): chr2:86,048,924, A>T on the plus strand (T>A on the coding strand, the complement: POLR1A is on the minus strand). VCF-style: chr2-86048924-A-T. GRCh37 (hg19) VCF-style: chr2-86276047-A-T.
Other names: short protein forms F865Y.
Identifiers: ClinVar variation 2881747 (VCV002881747.3), dbSNP rs1386403402, ClinGen allele CA347540651.